The following is an entry in ClinVar:

ClinVar aggregate classification (germline): Uncertain significance (1 of 4 stars; one submission).

Submission:

Labcorp Genetics (formerly Invitae), Labcorp
Classification: Uncertain significance. Last evaluated: 2022-03-27. Review status: criteria provided, single submitter. Criteria: Invitae Variant Classification Sherloc (09022015). Collection method: clinical testing. Allele origin: germline.
Comment: In summary, the available evidence is currently insufficient to determine the role of this variant in disease. Therefore, it has been classified as a Variant of Uncertain Significance. Algorithms developed to predict the effect of missense changes on protein structure and function are either unavailable or do not agree on the potential impact of this missense change (SIFT: "Deleterious"; PolyPhen-2: "Possibly Damaging"; Align-GVGD: "Class C0"). This variant has not been reported in the literature in individuals affected with SEMA4A-related conditions. This variant is not present in population databases (gnomAD no frequency). This sequence change replaces glutamine, which is neutral and polar, with histidine, which is basic and polar, at codon 623 of the SEMA4A protein (p.Gln623His).

NM_022367.4(SEMA4A):c.1869G>C (p.Gln623His)

Gene: SEMA4A (semaphorin 4A; plus strand). Cytogenetic location: 1q22.
Variant type: single nucleotide variant.
Coding change: c.1869G>C on transcript NM_022367.4 (MANE Select); coding-DNA position 1869, G replaced by C.
Protein change: p.Gln623His; replaces glutamine 623 with histidine.
Molecular consequence: missense variant.
Genome position (GRCh38, 1-based): chr1:156,176,580, G>C. VCF-style: chr1-156176580-G-C. GRCh37 (hg19) VCF-style: chr1-156146371-G-C.
Other names: c.1869G>C, p.Gln623His (NM_001193300.2, NM_001193301.2, NM_001370567.1); c.1473G>C, p.Gln491His (NM_001193302.2); c.1572G>C, p.Gln524His (NM_001370568.1); c.1362G>C, p.Gln454His (NM_001370569.1, NM_001370571.1); short protein forms Q623H, Q491H, Q524H, Q454H.
Identifiers: ClinVar variation 2110613 (VCV002110613.4), dbSNP rs1655358082, ClinGen allele CA342812235.